The following is an entry in ClinVar:

ClinVar aggregate classification (germline): Likely benign. Review status: criteria provided, multiple submitters, no conflicts (2 of 4 stars). 2 submissions from 2 submitters: Likely benign (2). Last evaluated 2024-08-01.

Conditions:
Glycogen storage disease, type IV (GSD4). Also called: Glycogen storage disease due to glycogen branching enzyme deficiency; AMYLOPECTINOSIS; ANDERSEN DISEASE; BRANCHER DEFICIENCY; CIRRHOSIS, FAMILIAL, WITH DEPOSITION OF ABNORMAL GLYCOGEN; GBE1 DEFICIENCY. Identifiers: Orphanet 367, MedGen C0017923, MONDO:0009292, OMIM 232500.
Glycogen storage disease IV, classic hepatic. Also called: GSD IV, CLASSIC HEPATIC. Identifiers: MedGen C1856301.

Submissions (2):

CeGaT Center for Human Genetics Tuebingen
Classification: Likely benign. Last evaluated: 2024-08-01. Review status: criteria provided, single submitter. Criteria: CeGaT Center For Human Genetics Tuebingen Variant Classification Criteria Version 2. Collection method: clinical testing. Allele origin: germline. Affected: yes. Observed: 1 variant allele.
Comment: GBE1: PM2:Supporting, BP4, BP7

Labcorp Genetics (formerly Invitae), Labcorp
Classification: Likely benign for Glycogen storage disease, type IV; Glycogen storage disease IV, classic hepatic. Last evaluated: 2023-02-08. Review status: criteria provided, single submitter. Criteria: Invitae Variant Classification Sherloc (09022015). Collection method: clinical testing. Allele origin: germline.

NM_000158.4(GBE1):c.849C>G (p.Val283=)

Gene: GBE1 (1,4-alpha-glucan branching enzyme 1; minus strand). Cytogenetic location: 3p12.2.
Variant type: single nucleotide variant.
Coding change: c.849C>G on transcript NM_000158.4 (MANE Select); coding-DNA position 849, C replaced by G.
Protein change: p.Val283=; no amino-acid change (valine 283 retained).
Molecular consequence: synonymous variant.
Genome position (GRCh38, 1-based): chr3:81,642,924, G>C on the plus strand (C>G on the coding strand, the complement: GBE1 is on the minus strand). VCF-style: chr3-81642924-G-C. GRCh37 (hg19) VCF-style: chr3-81692075-G-C.
Identifiers: ClinVar variation 1609777 (VCV001609777.24), dbSNP rs1704706491, ClinGen allele CA434493862.
Genomic context (GRCh38, chr3:81,642,924, plus strand): 5'-AAACATATTCAATCCATCTGCTGAATTTTTTGAAGCATGGCTGTGTACCACATCTAAGAG[G>C]ACTATGATACCCATGGAATGAGCTGTGTCTACCAGTTCTTGTAGCTCTTCAGGTGTTCCA-3'
Protein context (NP_000149.4, residues 273-293): VDTAHSMGII[Val283=]LLDVVHSHAS